The following is an entry in ClinVar:

NM_006164.5(NFE2L2):c.1145A>G (p.Asp382Gly)

Gene: NFE2L2 (NFE2 like bZIP transcription factor 2; minus strand). Cytogenetic location: 2q31.2.
Variant type: single nucleotide variant.
Coding change: c.1145A>G on transcript NM_006164.5 (MANE Select); coding-DNA position 1145, A replaced by G.
Protein change: p.Asp382Gly; replaces aspartic acid 382 with glycine.
Molecular consequence: missense variant.
Genome position (GRCh38, 1-based): chr2:177,231,458, T>C on the plus strand (A>G on the coding strand, the complement: NFE2L2 is on the minus strand). VCF-style: chr2-177231458-T-C. GRCh37 (hg19) VCF-style: chr2-178096186-T-C.
Other names: c.1076A>G, p.Asp359Gly (NM_001145413.3); c.1097A>G, p.Asp366Gly (NM_001313900.1, NM_001313901.1, NM_001145412.3); c.1055A>G, p.Asp352Gly (NM_001313902.2); c.926A>G, p.Asp309Gly (NM_001313903.2); c.845A>G, p.Asp282Gly (NM_001313904.1); short protein forms D282G, D309G, D352G, D359G, D366G, D382G.
Identifiers: ClinVar variation 3613265 (VCV003613265.2).
Genomic context (GRCh38, chr2:177,231,458, plus strand): 5'-TCCCCAGAAGAATGTACTGGTGTTTTAGGACCATTCTGTTTGACACTTCCAGGGGCACTA[T>C]CTAGCTCTTCCACTTCAGAATCACTGAGGCCAAGTAGTGTGTCTCCATAGCTGGAAGATT-3'
Protein context (NP_006155.2, residues 372-392): GLSDSEVEEL[Asp382Gly]SAPGSVKQNG

ClinVar aggregate classification (germline): Uncertain significance (1 of 4 stars; one submission).

gnomAD v4.1: 18 of 1,614,250 alleles (0.0011%); highest among the groups gnomAD compares: Non-Finnish European, 0.0015%; no homozygotes.

Submission:

Labcorp Genetics (formerly Invitae), Labcorp
Classification: Uncertain significance. Last evaluated: 2024-04-18. Review status: criteria provided, single submitter. Criteria: Invitae Variant Classification Sherloc (09022015). Collection method: clinical testing. Allele origin: germline.
Comment: This sequence change replaces aspartic acid, which is acidic and polar, with glycine, which is neutral and non-polar, at codon 382 of the NFE2L2 protein (p.Asp382Gly). This variant is not present in population databases (gnomAD no frequency). This variant has not been reported in the literature in individuals affected with NFE2L2-related conditions. Advanced modeling of protein sequence and biophysical properties (such as structural, functional, and spatial information, amino acid conservation, physicochemical variation, residue mobility, and thermodynamic stability) performed at Invitae indicates that this missense variant is not expected to disrupt NFE2L2 protein function with a negative predictive value of 80%. In summary, the available evidence is currently insufficient to determine the role of this variant in disease. Therefore, it has been classified as a Variant of Uncertain Significance.